The following is an entry in ClinVar:

NM_001379200.1(TBX1):c.1380T>A (p.His460Gln)

Gene: TBX1 (T-box transcription factor 1; plus strand). Cytogenetic location: 22q11.21.
Variant type: single nucleotide variant.
Coding change: c.1380T>A on transcript NM_001379200.1 (MANE Select); coding-DNA position 1380, T replaced by A.
Protein change: p.His460Gln; replaces histidine 460 with glutamine.
Molecular consequence: missense variant. On other transcripts: intron variant (2).
Genome position (GRCh38, 1-based): chr22:19,766,732, T>A. VCF-style: chr22-19766732-T-A. GRCh37 (hg19) VCF-style: chr22-19754255-T-A.
Other names: c.1353T>A, p.His451Gln (NM_080647.1); c.1009+730T>A (NM_005992.1, NM_080646.2); short protein forms H460Q, H451Q.
Identifiers: ClinVar variation 2195575 (VCV002195575.4), dbSNP rs367711718, ClinGen allele CA410685215.

ClinVar aggregate classification (germline): Uncertain significance (1 of 4 stars; one submission).

Conditions:
DiGeorge syndrome. Also called: THIRD AND FOURTH PHARYNGEAL POUCH SYNDROME; Catch22. Identifiers: Orphanet 567, MedGen C0012236, MONDO:0008564, OMIM 188400.

gnomAD v4.1: 4 of 1,541,362 alleles (0.00026%); highest among the groups gnomAD compares: Non-Finnish European, 0.00026%; no homozygotes.

Submission:

Labcorp Genetics (formerly Invitae), Labcorp
Classification: Uncertain significance for DiGeorge syndrome. Last evaluated: 2023-07-25. Review status: criteria provided, single submitter. Criteria: Invitae Variant Classification Sherloc (09022015). Collection method: clinical testing. Allele origin: germline.
Comment: ClinVar contains an entry for this variant (Variation ID: 2195575). This sequence change replaces histidine, which is basic and polar, with glutamine, which is neutral and polar, at codon 451 of the TBX1 protein (p.His451Gln). This variant is present in population databases (no rsID available, gnomAD 0.001%). This variant has not been reported in the literature in individuals affected with TBX1-related conditions. An algorithm developed to predict the effect of missense changes on protein structure and function (PolyPhen-2) suggests that this variant is likely to be disruptive. In summary, the available evidence is currently insufficient to determine the role of this variant in disease. Therefore, it has been classified as a Variant of Uncertain Significance.